The following is an entry in ClinVar:

NM_000199.5(SGSH):c.664-39_664-36delinsGC

Gene: SGSH (N-sulfoglucosamine sulfohydrolase; minus strand). Cytogenetic location: 17q25.3.
Variant type: Indel.
Coding change: c.664-39_664-36delinsGC on transcript NM_000199.5 (MANE Select); 39 bases into the intron before coding-DNA position 664 through 36 bases into the intron before coding-DNA position 664, CTGT replaced by GC.
Molecular consequence: intron variant.
Genome position (GRCh38, 1-based): chr17:80,213,921-80,213,924, ACAG replaced by GC on the plus strand (CTGT replaced by GC on the coding strand, the reverse complement: SGSH is on the minus strand). VCF-style: chr17-80213921-ACAG-GC. GRCh37 (hg19) VCF-style: chr17-78187720-ACAG-GC.
Other names: c.664-39_664-36delCTGTinsGC (NM_000199.3); c.664-39_664-36delinsGC (NM_001352921.3, NM_001352922.2).
Identifiers: ClinVar variation 167682 (VCV000167682.8), dbSNP rs386799751, ClinGen allele CA234924.

ClinVar aggregate classification (germline): Benign. Review status: criteria provided, multiple submitters, no conflicts (2 of 4 stars). 3 submissions from 3 submitters: Benign (3). Last evaluated 2021-11-07.

Conditions:
Mucopolysaccharidosis, MPS-III-A (MPS3A). Also called: Mucopolysaccharidosis, type IIIA; MPS III A; MUCOPOLYSACCHARIDOSIS, TYPE IIIA, ATTENUATED; SANFILIPPO SYNDROME A; SULFAMIDASE DEFICIENCY; mucopolysaccharidosis type 3A. Identifiers: Orphanet 581, Orphanet 79269, MedGen C0086647, MONDO:0009655, OMIM 252900.

Submissions (3):

Genome-Nilou Lab
Classification: Benign for Mucopolysaccharidosis, MPS-III-A. Last evaluated: 2021-11-07. Review status: criteria provided, single submitter. Criteria: ACMG Guidelines, 2015. Collection method: clinical testing. Allele origin: germline. Affected: no.

Women's Health and Genetics/Laboratory Corporation of America, LabCorp
Classification: Benign. Last evaluated: 2017-09-21. Review status: criteria provided, single submitter. Criteria: LabCorp Variant Classification Summary - May 2015. Collection method: clinical testing. Allele origin: germline.
Comment: Variant summary: The SGSH c.664-39_664-36delinsGC variant involves the deletion of four and insertion of two intronic nucleotides. One in silico tool predicts a benign outcome for this variant. 3/5 splice prediction tools predict no significant impact on normal splicing. However, these predictions have yet to be confirmed by functional studies. This variant was found in 1744/5008 control chromosomes (including 356 homozygotes) at a frequency of 0.3482428, which is approximately 108 times the estimated maximal expected allele frequency of a pathogenic SGSH variant (0.0032275), suggesting this variant is likely a benign polymorphism. In addition, one clinical diagnostic laboratory/reputable database classified this variant as benign. The variant of interest has not, to our knowledge, been reported in affected individuals via publications nor evaluated for functional impact by in vivo/vitro studies. Taken together, this variant is classified as benign.

Eurofins Ntd Llc (ga)
Classification: Benign. Last evaluated: 2017-02-07. Review status: criteria provided, single submitter. Criteria: EGL Classification Definitions 2015. Collection method: clinical testing. Allele origin: germline. Observed: 1 variant allele, 1 heterozygote.